The following is an entry in ClinVar:

NM_025081.3(NYNRIN):c.1369A>G (p.Thr457Ala)

Gene: NYNRIN (NYN domain and retroviral integrase containing; plus strand). Cytogenetic location: 14q12.
Variant type: single nucleotide variant.
Coding change: c.1369A>G on transcript NM_025081.3 (MANE Select); coding-DNA position 1369, A replaced by G.
Protein change: p.Thr457Ala; replaces threonine 457 with alanine.
Molecular consequence: missense variant.
Genome position (GRCh38, 1-based): chr14:24,409,163, A>G. VCF-style: chr14-24409163-A-G. GRCh37 (hg19) VCF-style: chr14-24878369-A-G.
Other names: short protein forms T457A.
Identifiers: ClinVar variation 4750221 (VCV004750221.1).
Genomic context (GRCh38, chr14:24,409,163, plus strand): 5'-GGGCTGGGAGGAGAAGCAGCCCTGCAGAATTGCCCAAGGCCAGAGATTTCCCCAAAAGTT[A>G]CGAGTTTATTGGTGGTCCCTGGGAGCTCAGATGTAAAAGACAAAGTTAGCTCGGATCTCC-3'
Protein context (NP_079357.2, residues 447-467): CPRPEISPKV[Thr457Ala]SLLVVPGSSD

ClinVar aggregate classification (germline): Uncertain significance (1 of 4 stars; one submission).

Submission:

Labcorp Genetics (formerly Invitae), Labcorp
Classification: Uncertain significance. Last evaluated: 2025-03-11. Review status: criteria provided, single submitter. Criteria: Invitae Variant Classification Sherloc (09022015). Collection method: clinical testing. Allele origin: germline.
Comment: This sequence change replaces threonine, which is neutral and polar, with alanine, which is neutral and non-polar, at codon 457 of the NYNRIN protein (p.Thr457Ala). This variant is present in population databases (rs762055012, gnomAD 0.01%). This variant has not been reported in the literature in individuals affected with NYNRIN-related conditions. Experimental studies and prediction algorithms are not available or were not evaluated, and the functional significance of this variant is currently unknown. In summary, the available evidence is currently insufficient to determine the role of this variant in disease. Therefore, it has been classified as a Variant of Uncertain Significance.